The following is an entry in ClinVar:

NM_006231.4(POLE):c.536A>G (p.Glu179Gly)

Gene: POLE (DNA polymerase epsilon, catalytic subunit; minus strand). Cytogenetic location: 12q24.33.
Variant type: single nucleotide variant.
Coding change: c.536A>G on transcript NM_006231.4 (MANE Select); coding-DNA position 536, A replaced by G.
Protein change: p.Glu179Gly; replaces glutamic acid 179 with glycine.
Molecular consequence: missense variant.
Genome position (GRCh38, 1-based): chr12:132,679,539, T>C on the plus strand (A>G on the coding strand, the complement: POLE is on the minus strand). VCF-style: chr12-132679539-T-C. GRCh37 (hg19) VCF-style: chr12-133256125-T-C.
Other names: short protein forms E179G.
Identifiers: ClinVar variation 1349075 (VCV001349075.10), dbSNP rs756209651, ClinGen allele CA6894295.

ClinVar aggregate classification (germline): Uncertain significance. Review status: criteria provided, multiple submitters, no conflicts (2 of 4 stars). 2 submissions from 2 submitters: Uncertain significance (2). Last evaluated 2025-03-25.

Conditions:
Hereditary cancer-predisposing syndrome. Also called: Hereditary neoplastic syndrome; Tumor predisposition; Neoplastic Syndromes, Hereditary; Hereditary Cancer Syndrome. Identifiers: Orphanet 140162, MedGen C0027672, MeSH D009386, MONDO:0015356.

Allele frequency attached by ClinVar (database versions not stated): gnomAD exomes below 0.00001 and 0.00001; ExAC 0.00001.
gnomAD v4.1: 2 of 1,614,094 alleles (0.00012%); highest among the groups gnomAD compares: Admixed American, 0.0033%; no homozygotes.

Submissions (2):

Ambry Genetics
Classification: Uncertain significance for Hereditary cancer-predisposing syndrome. Last evaluated: 2025-03-25. Review status: criteria provided, single submitter. Criteria: Ambry Variant Classification Scheme 2023. Collection method: clinical testing. Allele origin: germline.
Comment: The p.E179G variant (also known as c.536A>G), located in coding exon 6 of the POLE gene, results from an A to G substitution at nucleotide position 536. The glutamic acid at codon 179 is replaced by glycine, an amino acid with similar properties. This amino acid position is highly conserved in available vertebrate species. In addition, this alteration is predicted to be tolerated by in silico analysis. Based on the available evidence, the clinical significance of this variant remains unclear.

Labcorp Genetics (formerly Invitae), Labcorp
Classification: Uncertain significance. Last evaluated: 2025-03-16. Review status: criteria provided, single submitter. Criteria: Invitae Variant Classification Sherloc (09022015). Collection method: clinical testing. Allele origin: germline.
Comment: This sequence change replaces glutamic acid, which is acidic and polar, with glycine, which is neutral and non-polar, at codon 179 of the POLE protein (p.Glu179Gly). This variant is present in population databases (rs756209651, gnomAD 0.006%). This variant has not been reported in the literature in individuals affected with POLE-related conditions. ClinVar contains an entry for this variant (Variation ID: 1349075). Invitae Evidence Modeling of protein sequence and biophysical properties (such as structural, functional, and spatial information, amino acid conservation, physicochemical variation, residue mobility, and thermodynamic stability) indicates that this missense variant is not expected to disrupt POLE protein function with a negative predictive value of 80%. In summary, the available evidence is currently insufficient to determine the role of this variant in disease. Therefore, it has been classified as a Variant of Uncertain Significance.